The following is an entry in ClinVar:

NM_001276345.2(TNNT2):c.*123C>T

Gene: TNNT2 (troponin T2, cardiac type; minus strand). Cytogenetic location: 1q32.1.
Variant type: single nucleotide variant.
Coding change: c.*123C>T on transcript NM_001276345.2 (MANE Select); 123 bases downstream of the stop codon, C replaced by T.
Molecular consequence: 3 prime UTR variant.
Genome position (GRCh38, 1-based): chr1:201,359,087, G>A on the plus strand (C>T on the coding strand, the complement: TNNT2 is on the minus strand). VCF-style: chr1-201359087-G-A. GRCh37 (hg19) VCF-style: chr1-201328215-G-A.
Other names: c.*123C>T (NM_000364.4, NM_001001430.3, NM_001001431.3 and 4 more transcripts).
Identifiers: ClinVar variation 1290331 (VCV001290331.7), dbSNP rs185927345, ClinGen allele CA35412983.

ClinVar aggregate classification (germline): Benign/Likely benign. Review status: criteria provided, multiple submitters, no conflicts (2 of 4 stars). 3 submissions from 3 submitters: Benign (2); Likely benign (1). Last evaluated 2026-06-01.

Allele frequency attached by ClinVar (database versions not stated): gnomAD exomes 0.00008; gnomAD 0.00108 and 0.00118; 1000 Genomes Project 30x 0.00109; TOPMed 0.00127; 1000 Genomes Project 0.00140.
gnomAD v4.1: 269 of 1,304,060 alleles (0.021%); highest among the groups gnomAD compares: African/African-American, 0.36%; 1 homozygote.

Submissions (3):

CeGaT Center for Human Genetics Tuebingen
Classification: Likely benign. Last evaluated: 2026-06-01. Review status: criteria provided, single submitter. Criteria: CeGaT Center For Human Genetics Tuebingen Variant Classification Criteria Version 2. Collection method: clinical testing. Allele origin: germline. Affected: yes. Observed: 2 variant alleles.
Comment: TNNT2: BS1

Molecular Diagnostic Laboratory for Inherited Cardiovascular Disease, Montreal Heart Institute
Classification: Benign. Last evaluated: 2025-04-09. Review status: criteria provided, single submitter. Criteria: ACMG Guidelines, 2015. Collection method: clinical testing. Allele origin: germline. Affected: no.

GeneDx
Classification: Benign. Last evaluated: 2015-03-03. Review status: criteria provided, single submitter. Criteria: GeneDx Variant Classification Process June 2021. Collection method: clinical testing. Allele origin: germline. Affected: yes.